The following is an entry in ClinVar:

ClinVar aggregate classification (germline): Uncertain significance (1 of 4 stars; one submission).

Submission:

Labcorp Genetics (formerly Invitae), Labcorp
Classification: Uncertain significance. Last evaluated: 2023-04-24. Review status: criteria provided, single submitter. Criteria: Invitae Variant Classification Sherloc (09022015). Collection method: clinical testing. Allele origin: germline.
Comment: An algorithm developed to predict the effect of missense changes on protein structure and function (PolyPhen-2) suggests that this variant is likely to be disruptive. ClinVar contains an entry for this variant (Variation ID: 1058096). This variant has not been reported in the literature in individuals affected with CACNA2D4-related conditions. This variant is not present in population databases (gnomAD no frequency). This sequence change replaces methionine, which is neutral and non-polar, with threonine, which is neutral and polar, at codon 130 of the CACNA2D4 protein (p.Met130Thr). In summary, the available evidence is currently insufficient to determine the role of this variant in disease. Therefore, it has been classified as a Variant of Uncertain Significance.

NM_172364.5(CACNA2D4):c.389T>C (p.Met130Thr)

Gene: CACNA2D4 (calcium voltage-gated channel auxiliary subunit alpha2delta 4; minus strand). Cytogenetic location: 12p13.33.
Variant type: single nucleotide variant.
Coding change: c.389T>C on transcript NM_172364.5 (MANE Select); coding-DNA position 389, T replaced by C.
Protein change: p.Met130Thr; replaces methionine 130 with threonine.
Molecular consequence: missense variant.
Genome position (GRCh38, 1-based): chr12:1,913,060, A>G on the plus strand (T>C on the coding strand, the complement: CACNA2D4 is on the minus strand). VCF-style: chr12-1913060-A-G. GRCh37 (hg19) VCF-style: chr12-2022226-A-G.
Other names: short protein forms M130T.
Identifiers: ClinVar variation 1058096 (VCV001058096.9), dbSNP rs2154452590, ClinGen allele CA383364921.